The following is an entry in ClinVar:

NM_000059.4(BRCA2):c.965_966dup (p.Val323fs)

Gene: BRCA2 (BRCA2 DNA repair associated; plus strand). Cytogenetic location: 13q13.1.
Variant type: Duplication.
Coding change: c.965_966dup on transcript NM_000059.4 (MANE Select); coding-DNA positions 965 to 966, 2 bases duplicated (AA; older notation c.965_966dupAA).
Protein change: p.Val323fs; shifts the reading frame from valine 323.
Molecular consequence: frameshift variant.
Genome position (GRCh38, 1-based): chr13:32,332,443-32,332,444, AA duplicated; duplicating any 2 consecutive bases within chr13:32,332,440-32,332,444 gives the same sequence; the c. name uses the placement nearest the transcript's 3' end. VCF-style (leftmost placement, unchanged base first): chr13-32332439-C-CAA. GRCh37 (hg19) VCF-style: chr13-32906576-C-CAA.
Other names: short protein forms V323fs.
Identifiers: ClinVar variation 4082392 (VCV004082392.1).
Genomic context (GRCh38, chr13:32,332,439, plus strand): 5'-GATACCTCTGAAGAAGATAGTTTTTCATTATGTTTTTCTAAATGTAGAACAAAAAATCTA[C>CAA]AAAAAGTAAGAACTAGCAAGACTAGGAAAAAAATTTTCCATGAAGCAAACGCTGATGAAT-3'

ClinVar aggregate classification (germline): Likely pathogenic (1 of 4 stars; one submission).

Conditions:
Hereditary breast ovarian cancer syndrome. Also called: BRCA1- and BRCA2-Associated Hereditary Breast and Ovarian Cancer; Hereditary breast and ovarian cancer; Hereditary breast and ovarian cancer syndrome (HBOC); Hereditary breast and/or ovarian cancer syndrome; Hereditary breast and ovarian cancer syndrome; Breast and ovarian cancer. Identifiers: Orphanet 145, MedGen C0677776, MeSH D061325, MONDO:0003582. Disease mechanism: loss of function.

Submission:

Genetics and Personalized Medicine Clinic, Tartu University Hospital
Classification: Likely pathogenic for Hereditary breast ovarian cancer syndrome. Last evaluated: 2022-01-01. Review status: criteria provided, single submitter. Criteria: ACMG Guidelines, 2015. Collection method: clinical testing. Allele origin: germline. Affected: yes. Observed: 1 variant allele.
Comment: This duplication causes a frameshift p.(Val323Lysfs*2), predicted to result in premature truncation and nonsense-mediated decay. BRCA2 loss-of-function is a well-established mechanism for hereditary breast and ovarian cancer (PVS1).